The following is an entry in ClinVar:

ClinVar aggregate classification (germline): Uncertain significance (1 of 4 stars; one submission).

Conditions:
Hereditary cancer-predisposing syndrome. Also called: Neoplastic Syndromes, Hereditary; Tumor predisposition; Hereditary neoplastic syndrome; Hereditary Cancer Syndrome. Identifiers: Orphanet 140162, MedGen C0027672, MeSH D009386, MONDO:0015356.

Submission:

Ambry Genetics
Classification: Uncertain significance for Hereditary cancer-predisposing syndrome. Last evaluated: 2024-02-04. Review status: criteria provided, single submitter. Criteria: Ambry Variant Classification Scheme 2023. Collection method: clinical testing. Allele origin: germline.
Comment: The p.S3R variant (also known as c.9C>G), located in coding exon 1 of the DICER1 gene, results from a C to G substitution at nucleotide position 9. The serine at codon 3 is replaced by arginine, an amino acid with dissimilar properties. This amino acid position is conserved. In addition, this alteration is predicted to be tolerated by in silico analysis. Based on the available evidence, the clinical significance of this alteration remains unclear.

NM_177438.3(DICER1):c.9C>G (p.Ser3Arg)

Gene: DICER1 (dicer 1, ribonuclease III; minus strand). Cytogenetic location: 14q32.13.
Variant type: single nucleotide variant.
Coding change: c.9C>G on transcript NM_177438.3 (MANE Select); coding-DNA position 9, C replaced by G.
Protein change: p.Ser3Arg; replaces serine 3 with arginine.
Molecular consequence: missense variant. On other transcripts: 5 prime UTR variant (8), non-coding transcript variant (6), intron variant (1).
Genome position (GRCh38, 1-based): chr14:95,133,450, G>C on the plus strand (C>G on the coding strand, the complement: DICER1 is on the minus strand). VCF-style: chr14-95133450-G-C. GRCh37 (hg19) VCF-style: chr14-95599787-G-C.
Other names: c.9C>G, p.Ser3Arg (NM_001195573.1, NM_001271282.3, NM_001291628.2 and 15 more transcripts); c.-266C>G (NM_001395686.1, NM_001395688.1, NM_001395689.1 and 3 more transcripts); c.-450C>G (NM_001395691.1); c.-1560C>G (NM_001395697.1); c.-130-773C>G (NM_001395687.1); short protein forms S3R.
Identifiers: ClinVar variation 3229457 (VCV003229457.1), dbSNP rs1555376609, ClinGen allele CA390890831.
Genomic context (GRCh38, chr14:95,133,450, plus strand): 5'-TGGTGAGGAAGCAGGGGTCATGAGCTGCAGGCCTGCCATGCTGAGGGGTTGCAAAGCAGG[G>C]CTTTTCATTCATCCAGTGTTTCTTTCATTGCATTTTTGTTCTAGCACAGCTTACTACAAA-3'
Protein context (NP_803187.1, residues 1-13): MK[Ser3Arg]PALQPLSMAG